The following is an entry in ClinVar:

ClinVar aggregate classification (germline): Conflicting classifications of pathogenicity. Review status: criteria provided, conflicting classifications (1 of 4 stars). 5 submissions from 5 submitters: Likely pathogenic (2); Uncertain significance (3). Last evaluated 2024-05-13.

Conditions:
Neurofibromatosis, type 1 (NF1). Also called: VON RECKLINGHAUSEN DISEASE; NEUROFIBROMATOSIS, TYPE I, SOMATIC; Peripheral type neurofibromatosis; Neurofibromatosis, type I. Identifiers: Orphanet 636, MedGen C0027831, MONDO:0018975, OMIM 162200. Disease mechanism: loss of function.

Submissions (5):

Quest Diagnostics Nichols Institute San Juan Capistrano
Classification: Uncertain significance. Last evaluated: 2024-05-13. Review status: criteria provided, single submitter. Criteria: Quest Diagnostics criteria. Collection method: clinical testing. Allele origin: unknown.
Comment: The NF1 c.3437T>A (p.Val1146Asp) variant has not been reported in individuals with NF1-related conditions in the published literature. It also has not been reported in large, multi-ethnic general populations (Genome Aggregation Database). Analysis of this variant using bioinformatics tools for the prediction of the effect of amino acid changes on protein structure and function yielded predictions that this variant is damaging. Based on the available information, we are unable to determine the clinical significance of this variant.

GeneDx
Classification: Likely pathogenic. Last evaluated: 2023-09-13. Review status: criteria provided, single submitter. Criteria: GeneDx Variant Classification Process June 2021. Collection method: clinical testing. Allele origin: germline. Affected: yes.
Comment: Not observed at significant frequency in large population cohorts (gnomAD); In silico analysis supports that this missense variant has a deleterious effect on protein structure/function; Has not been previously published as pathogenic or benign to our knowledge; This variant is associated with the following publications: (PMID: Martorana2022[CaseReport], 22807134, 2121369, 25486365)

Medical Genetics, University of Parma
Classification: Likely pathogenic for Neurofibromatosis, type 1. Last evaluated: 2022-08-17. Review status: criteria provided, single submitter. Criteria: ACMG Guidelines, 2015. Collection method: clinical testing. Allele origin: germline. Inheritance: Autosomal dominant inheritance. Affected: yes.

Genome-Nilou Lab
Classification: Uncertain significance for Neurofibromatosis, type 1. Last evaluated: 2022-03-15. Review status: criteria provided, single submitter. Criteria: ACMG Guidelines, 2015. Collection method: clinical testing. Allele origin: germline. Affected: no.

Labcorp Genetics (formerly Invitae), Labcorp
Classification: Uncertain significance for Neurofibromatosis, type 1. Last evaluated: 2019-08-20. Review status: criteria provided, single submitter. Criteria: Invitae Variant Classification Sherloc (09022015). Collection method: clinical testing. Allele origin: germline.
Comment: In summary, the available evidence is currently insufficient to determine the role of this variant in disease. Therefore, it has been classified as a Variant of Uncertain Significance. Algorithms developed to predict the effect of missense changes on protein structure and function are either unavailable or do not agree on the potential impact of this missense change (SIFT: "Deleterious"; PolyPhen-2: "Possibly Damaging"; Align-GVGD: "Class C0"). This variant has been reported in individuals in the Leiden Open-source Variation Database (PMID: 21520333). This variant is not present in population databases (ExAC no frequency). This sequence change replaces valine with aspartic acid at codon 1146 of the NF1 protein (p.Val1146Asp). The valine residue is moderately conserved and there is a large physicochemical difference between valine and aspartic acid.

Literature cited by the submitters: PubMed 21520333 (cited by Labcorp Genetics (formerly Invitae), Labcorp).

NM_001042492.3(NF1):c.3437T>A (p.Val1146Asp)

Gene: NF1 (neurofibromin 1; plus strand). Cytogenetic location: 17q11.2.
Variant type: single nucleotide variant.
Coding change: c.3437T>A on transcript NM_001042492.3 (MANE Select); coding-DNA position 3437, T replaced by A.
Protein change: p.Val1146Asp; replaces valine 1146 with aspartic acid.
Molecular consequence: missense variant.
Genome position (GRCh38, 1-based): chr17:31,232,822, T>A. VCF-style: chr17-31232822-T-A. GRCh37 (hg19) VCF-style: chr17-29559840-T-A.
Other names: c.3437T>A, p.Val1146Asp (NM_000267.4); short protein forms V1146D.
Identifiers: ClinVar variation 955254 (VCV000955254.13), dbSNP rs2067137147, ClinGen allele CA398989269.